The following is an entry in ClinVar:

NM_006493.4(CLN5):c.505G>A (p.Gly169Arg)

Gene: CLN5 (CLN5 lysosomal BMP synthase; plus strand). Cytogenetic location: 13q22.3.
Variant type: single nucleotide variant.
Coding change: c.505G>A on transcript NM_006493.4 (MANE Select); coding-DNA position 505, G replaced by A.
Protein change: p.Gly169Arg; replaces glycine 169 with arginine.
Molecular consequence: missense variant.
Genome position (GRCh38, 1-based): chr13:76,996,067, G>A. VCF-style: chr13-76996067-G-A. GRCh37 (hg19) VCF-style: chr13-77570202-G-A.
Other names: c.652G>A (LRG_692t1); c.505G>A, p.Gly169Arg (NM_001366624.2); short protein forms G169R.
Identifiers: ClinVar variation 457966 (VCV000457966.8), dbSNP rs1420822940, ClinGen allele CA388309441.

ClinVar aggregate classification (germline): Uncertain significance (1 of 4 stars; one submission).

Conditions:
Neuronal ceroid lipofuscinosis. Also called: Neuronal Ceroid Lipofuscinoses. Identifiers: Orphanet 216, Orphanet 79263, MedGen C0027877, MONDO:0016295. Disease mechanism: loss of function.

Allele frequency attached by ClinVar (database versions not stated): gnomAD exomes below 0.00001; gnomAD 0.00001.
gnomAD v4.1: 2 of 1,613,964 alleles (0.00012%); highest among the groups gnomAD compares: East Asian, 0.0022%; no homozygotes.

Submission:

Labcorp Genetics (formerly Invitae), Labcorp
Classification: Uncertain significance for Neuronal ceroid lipofuscinosis. Last evaluated: 2024-12-16. Review status: criteria provided, single submitter. Criteria: Invitae Variant Classification Sherloc (09022015). Collection method: clinical testing. Allele origin: germline.
Comment: This sequence change replaces glycine, which is neutral and non-polar, with arginine, which is basic and polar, at codon 218 of the CLN5 protein (p.Gly218Arg). This variant is present in population databases (no rsID available, gnomAD 0.06%). This variant has not been reported in the literature in individuals affected with CLN5-related conditions. ClinVar contains an entry for this variant (Variation ID: 457966). Invitae Evidence Modeling of protein sequence and biophysical properties (such as structural, functional, and spatial information, amino acid conservation, physicochemical variation, residue mobility, and thermodynamic stability) has been performed for this missense variant. However, the output from this modeling did not meet the statistical confidence thresholds required to predict the impact of this variant on CLN5 protein function. In summary, the available evidence is currently insufficient to determine the role of this variant in disease. Therefore, it has been classified as a Variant of Uncertain Significance.